The following is an entry in ClinVar:

NM_000138.5(FBN1):c.6740-9T>G

Gene: FBN1 (fibrillin 1; minus strand). Cytogenetic location: 15q21.1.
Variant type: single nucleotide variant.
Coding change: c.6740-9T>G on transcript NM_000138.5 (MANE Select); 9 bases into the intron before coding-DNA position 6740, T replaced by G.
Molecular consequence: intron variant.
Genome position (GRCh38, 1-based): chr15:48,430,811, A>C on the plus strand (T>G on the coding strand, the complement: FBN1 is on the minus strand). VCF-style: chr15-48430811-A-C. GRCh37 (hg19) VCF-style: chr15-48723008-A-C.
Identifiers: ClinVar variation 924831 (VCV000924831.3), dbSNP rs2043018430, ClinGen allele CA1139663954.

ClinVar aggregate classification (germline): Uncertain significance (1 of 4 stars; one submission).

Conditions:
Familial thoracic aortic aneurysm and aortic dissection (TAAD). Also called: Thoracic aortic aneurysms and dissections. Identifiers: Orphanet 91387, MedGen C4707243, MONDO:0019625.

Submission:

Color Diagnostics, LLC DBA Color Health
Classification: Uncertain significance for Familial thoracic aortic aneurysm and aortic dissection. Last evaluated: 2019-11-15. Review status: criteria provided, single submitter. Criteria: ACMG Guidelines, 2015. Collection method: clinical testing. Allele origin: germline.
Comment: This variant causes a T>G nucleotide substitution at the -9 position of intron 55 of the FBN1 gene. Splice site prediction tools and conservation analysis are inconclusive regarding the impact of this variant on RNA splicing. To our knowledge, functional studies have not been performed for this variant. This variant has not been reported in individuals affected with cardiovascular disorders in the literature. This variant has not been identified in the general population by the Genome Aggregation Database (gnomAD). The available evidence is insufficient to determine the role of this variant in disease conclusively. Therefore, this variant is classified as a Variant of Uncertain Significance.